The following is an entry in ClinVar:

NM_006949.4(STXBP2):c.287C>A (p.Thr96Asn)

Gene: STXBP2 (syntaxin binding protein 2; plus strand). Cytogenetic location: 19p13.2.
Variant type: single nucleotide variant.
Coding change: c.287C>A on transcript NM_006949.4 (MANE Select); coding-DNA position 287, C replaced by A.
Protein change: p.Thr96Asn; replaces threonine 96 with asparagine.
Molecular consequence: missense variant. On other transcripts: non-coding transcript variant (1).
Genome position (GRCh38, 1-based): chr19:7,640,771, C>A. VCF-style: chr19-7640771-C-A. GRCh37 (hg19) VCF-style: chr19-7705657-C-A.
Other names: c.278C>A, p.Thr93Asn (NM_001127396.3); c.320C>A, p.Thr107Asn (NM_001272034.2); short protein forms T107N, T93N, T96N.
Identifiers: ClinVar variation 1395728 (VCV001395728.6), dbSNP rs139280621, ClinGen allele CA403157469.

ClinVar aggregate classification (germline): Uncertain significance (1 of 4 stars; one submission).

Conditions:
Familial hemophagocytic lymphohistiocytosis 5. Also called: STXBP2-Related Familial Hemophagocytic Lymphohistiocytosis (STXBP2-fHLH). Identifiers: Orphanet 540, MedGen C2751293, MONDO:0013135, OMIM 613101.

Submission:

Labcorp Genetics (formerly Invitae), Labcorp
Classification: Uncertain significance for Familial hemophagocytic lymphohistiocytosis 5. Last evaluated: 2021-11-29. Review status: criteria provided, single submitter. Criteria: Invitae Variant Classification Sherloc (09022015). Collection method: clinical testing. Allele origin: germline.
Comment: In summary, the available evidence is currently insufficient to determine the role of this variant in disease. Therefore, it has been classified as a Variant of Uncertain Significance. Algorithms developed to predict the effect of missense changes on protein structure and function are either unavailable or do not agree on the potential impact of this missense change (SIFT: "Tolerated"; PolyPhen-2: "Probably Damaging"; Align-GVGD: "Class C0"). This variant has not been reported in the literature in individuals affected with STXBP2-related conditions. This variant is not present in population databases (gnomAD no frequency). This sequence change replaces threonine, which is neutral and polar, with asparagine, which is neutral and polar, at codon 96 of the STXBP2 protein (p.Thr96Asn).